The following is an entry in ClinVar:

NM_007078.3(LDB3):c.1697T>G (p.Met566Arg)

Gene: LDB3 (LIM domain binding 3; plus strand). Cytogenetic location: 10q23.2.
Variant type: single nucleotide variant.
Coding change: c.1697T>G on transcript NM_007078.3 (MANE Select); coding-DNA position 1697, T replaced by G.
Protein change: p.Met566Arg; replaces methionine 566 with arginine.
Molecular consequence: missense variant.
Genome position (GRCh38, 1-based): chr10:86,717,984, T>G. VCF-style: chr10-86717984-T-G. GRCh37 (hg19) VCF-style: chr10-88477741-T-G.
Other names: c.*18610T>G (NM_001080116.1); c.1367T>G (NM_001080114.1); c.1367T>G, p.Met456Arg (NM_001080114.2); c.1712T>G, p.Met571Arg (NM_001171610.2); c.1508T>G, p.Met503Arg (NM_001368064.1, NM_001368065.1); c.1556T>G, p.Met519Arg (NM_001368066.1); short protein forms M566R, M571R, M503R, M519R, M456R.
Identifiers: ClinVar variation 228795 (VCV000228795.22), dbSNP rs566463138, ClinGen allele CA5585218.

ClinVar aggregate classification (germline): Conflicting classifications of pathogenicity. Review status: criteria provided, conflicting classifications (1 of 4 stars). 7 submissions from 7 submitters: Uncertain significance (2); Likely benign (4). 1 of the submissions does not count toward it. Last evaluated 2026-03-17.

Conditions:
LDB3-related disorder. Also called: LDB3-related condition.
Cardiovascular phenotype. Identifiers: MedGen CN230736.
Myofibrillar myopathy 4. Also called: Zaspopathy (type). Identifiers: Orphanet 98912, MedGen C4721886, MONDO:0012277, OMIM 609452.

Allele frequency attached by ClinVar (database versions not stated): gnomAD exomes 0.00003 and 0.00018; gnomAD 0.00006 and 0.00009; TOPMed 0.00009; ExAC 0.00012; 1000 Genomes Project 0.00020; 1000 Genomes Project 30x 0.00031.
gnomAD v4.1: 67 of 1,614,170 alleles (0.0042%); highest among the groups gnomAD compares: East Asian, 0.12%; 1 homozygote.

Submissions (7):

Women's Health and Genetics/Laboratory Corporation of America, LabCorp
Classification: Likely benign. Last evaluated: 2026-03-17. Review status: criteria provided, single submitter. Criteria: LabCorp Variant Classification Summary - May 2015. Collection method: clinical testing. Allele origin: germline.

Labcorp Genetics (formerly Invitae), Labcorp
Classification: Likely benign for Myofibrillar myopathy 4. Last evaluated: 2026-01-26. Review status: criteria provided, single submitter. Criteria: Invitae Variant Classification Sherloc (09022015). Collection method: clinical testing. Allele origin: germline.

Blueprint Genetics
Classification: Likely benign. Last evaluated: 2024-05-03. Review status: criteria provided, single submitter. Criteria: ACMG Guidelines, 2015. Collection method: clinical testing. Allele origin: germline.

GeneDx
Classification: Uncertain significance. Last evaluated: 2023-07-11. Review status: criteria provided, single submitter. Criteria: GeneDx Variant Classification Process June 2021. Collection method: clinical testing. Allele origin: germline. Affected: yes.
Comment: In silico analysis supports that this missense variant has a deleterious effect on protein structure/function; Variant vetted as missense in alternate transcript NM_007078.2; This variant is associated with the following publications: (PMID: 32344918, 33949037, 35284542)

Ambry Genetics
Classification: Likely benign for Cardiovascular phenotype. Last evaluated: 2019-09-05. Review status: criteria provided, single submitter. Criteria: Ambry Variant Classification Scheme 2023. Collection method: clinical testing. Allele origin: germline.

Laboratory for Molecular Medicine, Mass General Brigham Personalized Medicine
Classification: Uncertain significance. Last evaluated: 2015-05-07. Review status: criteria provided, single submitter. Criteria: LMM Criteria. Collection method: clinical testing. Allele origin: germline. Observed: 1 variant allele.
Comment: Variant classified as Uncertain Significance - Favor Benign. The p.Met556Arg var iant in LDB3 has not been previously reported in individuals with cardiomyopathy , but has been identified in 0.2% (14/8652) of East Asian chromosomes by the Exo me Aggregation Consortium (ExAC; dbSNP rs5664631 38). Computational prediction tools and conservation analysis suggest that the p .Met556Arg variant may impact the protein, though this information is not predic tive enough to determine pathogenicity. In summary, while the clinical significa nce of the p.Met556Arg variant is uncertain, its frequency in the general popula tion suggests that it is more likely to be benign.

PreventionGenetics, part of Exact Sciences
Classification: Likely benign for LDB3-related condition. Last evaluated: 2020-10-27. Review status: no assertion criteria provided. Collection method: clinical testing. Allele origin: germline. Not counted in ClinVar's aggregate classification.
Comment: This variant is classified as likely benign based on ACMG/AMP sequence variant interpretation guidelines (Richards et al. 2015 PMID: 25741868, with internal and published modifications).